The following is an entry in ClinVar:

NM_001385012.1(NBEA):c.5526C>T (p.Ala1842=)

Gene: NBEA (neurobeachin; plus strand). Cytogenetic location: 13q13.3.
Variant type: single nucleotide variant.
Coding change: c.5526C>T on transcript NM_001385012.1 (MANE Select); coding-DNA position 5526, C replaced by T.
Protein change: p.Ala1842=; no amino-acid change (alanine 1842 retained).
Molecular consequence: synonymous variant.
Genome position (GRCh38, 1-based): chr13:35,211,057, C>T. VCF-style: chr13-35211057-C-T. GRCh37 (hg19) VCF-style: chr13-35785194-C-T.
Other names: c.5526C>T, p.Ala1842= (NM_015678.5); c.5517C>T, p.Ala1839= (NM_001379245.1).
Identifiers: ClinVar variation 2643753 (VCV002643753.24), dbSNP rs907275071, ClinGen allele CA248096921.

ClinVar aggregate classification (germline): Likely benign (1 of 4 stars; one submission).

Allele frequency attached by ClinVar (database versions not stated): gnomAD exomes 0.00001; TOPMed 0.00002; gnomAD 0.00003.
gnomAD v4.1: 19 of 1,549,186 alleles (0.0012%); highest among the groups gnomAD compares: African/African-American, 0.0069%; no homozygotes.

Submission:

CeGaT Center for Human Genetics Tuebingen
Classification: Likely benign. Last evaluated: 2023-02-01. Review status: criteria provided, single submitter. Criteria: CeGaT Center For Human Genetics Tuebingen Variant Classification Criteria Version 2. Collection method: clinical testing. Allele origin: germline. Affected: yes. Observed: 1 variant allele.
Comment: NBEA: BP4, BP7